The following is an entry in ClinVar:

ClinVar aggregate classification (germline): Conflicting classifications of pathogenicity. Review status: criteria provided, conflicting classifications (1 of 4 stars). 3 submissions from 3 submitters: Uncertain significance (1); Likely benign (2). Last evaluated 2025-08-25.

Conditions:
Inborn genetic diseases. Identifiers: MedGen C0950123, MeSH D030342.

Submissions (3):

Ambry Genetics
Classification: Uncertain significance for Inborn genetic diseases. Last evaluated: 2025-08-25. Review status: criteria provided, single submitter. Criteria: Ambry Variant Classification Scheme 2023. Collection method: clinical testing. Allele origin: germline.

CeGaT Center for Human Genetics Tuebingen
Classification: Likely benign. Last evaluated: 2025-04-01. Review status: criteria provided, single submitter. Criteria: CeGaT Center For Human Genetics Tuebingen Variant Classification Criteria Version 2. Collection method: clinical testing. Allele origin: germline. Affected: yes. Observed: 2 variant alleles.
Comment: ARR3: BS2

Blueprint Genetics
Classification: Likely benign. Last evaluated: 2024-11-11. Review status: criteria provided, single submitter. Criteria: ACMG Guidelines, 2015. Collection method: clinical testing. Allele origin: germline.

NM_004312.3(ARR3):c.869T>C (p.Leu290Pro)

Gene: ARR3 (arrestin 3; plus strand). Cytogenetic location: Xq13.1.
Variant type: single nucleotide variant.
Coding change: c.869T>C on transcript NM_004312.3 (MANE Select); coding-DNA position 869, T replaced by C.
Protein change: p.Leu290Pro; replaces leucine 290 with proline.
Molecular consequence: missense variant.
Genome position (GRCh38, 1-based): chrX:70,278,605, T>C. VCF-style: chrX-70278605-T-C. GRCh37 (hg19) VCF-style: chrX-69498455-T-C.
Other names: c.869T>C (NM_004312.2); short protein forms L290P.
Identifiers: ClinVar variation 3770640 (VCV003770640.15).
Genomic context (GRCh38, chrX:70,278,605, plus strand): 5'-CAGTAACCCCAATCCTGGCTGCCAGCTGCCAGAAACGGGGCCTGGCACTGGATGGCAAAC[T>C]TAAGCATGAAGATACCAACCTGGCCTCTAGCACAATGTAAGCTCAAATATAACTCTCAGC-3'
Protein context (NP_004303.2, residues 280-300): QKRGLALDGK[Leu290Pro]KHEDTNLASS